The following is an entry in ClinVar:

ClinVar aggregate classification (germline): Uncertain significance. Review status: criteria provided, single submitter (1 of 4 stars). 2 submissions from 2 submitters: Uncertain significance (1). 1 of the submissions does not count toward it. Last evaluated 2021-08-24.

Conditions:
Choroideremia. Also called: Chorioretinal scalloped atrophy. Identifiers: Orphanet 180, MedGen C0008525, MONDO:0010557, OMIM 303100, HP:0001139.

Submissions (2):

Labcorp Genetics (formerly Invitae), Labcorp
Classification: Uncertain significance. Last evaluated: 2021-08-24. Review status: criteria provided, single submitter. Criteria: Invitae Variant Classification Sherloc (09022015). Collection method: clinical testing. Allele origin: germline.
Comment: This sequence change replaces alanine with valine at codon 2 of the CHM protein (p.Ala2Val). The alanine residue is moderately conserved and there is a small physicochemical difference between alanine and valine. This variant is not present in population databases (ExAC no frequency). This variant has not been reported in the literature in individuals affected with CHM-related conditions. Algorithms developed to predict the effect of missense changes on protein structure and function are either unavailable or do not agree on the potential impact of this missense change (SIFT: "Tolerated"; PolyPhen-2: "Probably Damaging"; Align-GVGD: "Class C0"). In summary, the available evidence is currently insufficient to determine the role of this variant in disease. Therefore, it has been classified as a Variant of Uncertain Significance.

Natera, Inc.
Classification: Uncertain significance for Choroideremia. Last evaluated: 2021-02-01. Review status: no assertion criteria provided. Collection method: clinical testing. Allele origin: germline. Not counted in ClinVar's aggregate classification.

NM_000390.4(CHM):c.5C>T (p.Ala2Val)

Gene: CHM (CHM Rab escort protein; minus strand). Cytogenetic location: Xq21.2.
Variant type: single nucleotide variant.
Coding change: c.5C>T on transcript NM_000390.4 (MANE Select); coding-DNA position 5, C replaced by T.
Protein change: p.Ala2Val; replaces alanine 2 with valine.
Molecular consequence: missense variant.
Genome position (GRCh38, 1-based): chrX:86,047,528, G>A on the plus strand (C>T on the coding strand, the complement: CHM is on the minus strand). VCF-style: chrX-86047528-G-A. GRCh37 (hg19) VCF-style: chrX-85302532-G-A.
Other names: c.5C>T, p.Ala2Val (NM_001145414.4); short protein forms A2V.
Identifiers: ClinVar variation 967914 (VCV000967914.8), dbSNP rs1185313651, ClinGen allele CA413788718.